The following is an entry in ClinVar:

ClinVar aggregate classification (germline): Uncertain significance (1 of 4 stars; one submission).

Conditions:
Hereditary cancer-predisposing syndrome. Also called: Neoplastic Syndromes, Hereditary; Tumor predisposition; Hereditary Cancer Syndrome; Hereditary neoplastic syndrome. Identifiers: Orphanet 140162, MedGen C0027672, MeSH D009386, MONDO:0015356.

Submission:

Ambry Genetics
Classification: Uncertain significance for Hereditary cancer-predisposing syndrome. Last evaluated: 2024-05-09. Review status: criteria provided, single submitter. Criteria: Ambry Variant Classification Scheme 2023. Collection method: clinical testing. Allele origin: germline.
Comment: The p.N741K variant (also known as c.2223C>G), located in coding exon 4 of the MSH6 gene, results from a C to G substitution at nucleotide position 2223. The asparagine at codon 741 is replaced by lysine, an amino acid with similar properties. This amino acid position is not well conserved in available vertebrate species. In addition, this alteration is predicted to be tolerated by in silico analysis. Based on the available evidence, the clinical significance of this variant remains unclear.

NM_000179.3(MSH6):c.2223C>G (p.Asn741Lys)

Gene: MSH6 (mutS homolog 6; plus strand). Cytogenetic location: 2p16.3.
Variant type: single nucleotide variant.
Coding change: c.2223C>G on transcript NM_000179.3 (MANE Select); coding-DNA position 2223, C replaced by G.
Protein change: p.Asn741Lys; replaces asparagine 741 with lysine.
Molecular consequence: missense variant.
Genome position (GRCh38, 1-based): chr2:47,800,206, C>G. VCF-style: chr2-47800206-C-G. GRCh37 (hg19) VCF-style: chr2-48027345-C-G.
Other names: c.1698C>G, p.Asn566Lys (NM_001406806.1, NM_001406807.1, NM_001406799.1); c.2223C>G, p.Asn741Lys (NM_001406808.1, NM_001406809.1, NM_001406796.1 and 3 more transcripts); c.1317C>G, p.Asn439Lys (NM_001406811.1, NM_001406812.1, NM_001406814.1 and 6 more transcripts); c.2229C>G, p.Asn743Lys (NM_001406813.1); c.1926C>G, p.Asn642Lys (NM_001406818.1, NM_001406819.1, NM_001406820.1 and 10 more transcripts); c.2055C>G, p.Asn685Lys (NM_001406826.1); c.1833C>G, p.Asn611Lys (NM_001281492.2); c.2319C>G, p.Asn773Lys (NM_001406795.1, NM_001406802.1); and 1 more; short protein forms N439K, N715K, N611K, N741K, N773K, N685K, N743K, N566K.
Identifiers: ClinVar variation 1787961 (VCV001787961.3), dbSNP rs769668640, ClinGen allele CA346752450.